The following is an entry in ClinVar:

ClinVar aggregate classification (germline): Likely pathogenic (1 of 4 stars; one submission).

Conditions:
Mucopolysaccharidosis, MPS-II (MPS2). Also called: Hunter Syndrome; IDURONATE 2-SULFATASE DEFICIENCY; Mucopolysaccharidosis Type II; Mucopolysaccharidosis type 2; Attenuated MPS (subtype; formerly known as mild MPS II); Severe MPS II. Identifiers: Orphanet 580, Orphanet 79388, MedGen C0026705, MONDO:0010674, OMIM 309900.

Submission:

Laboratory of Diagnosis and Therapy of Lysosomal Disorders, University of Padova
Classification: Likely pathogenic for Mucopolysaccharidosis, MPS-II. Last evaluated: 2024-06-07. Review status: criteria provided, single submitter. Criteria: ACMG Guidelines, 2015. Collection method: literature only. Allele origin: germline. Affected: yes. Observed: 1 variant allele.
Comment: Located in a mutational hot spot and/or critical functional domain (PM1_Moderate), Absent from controls (or at low frequency) in gnomAD database (PM2_Moderate), Missense change at the same amino acid residue as a pathogenic variant (PM5_Moderate), Missense variant in a gene with a low rate of benign missense variation (PP2_Supporting), Multiple lines of computational evidence support a deleterious effect (PP3_Supporting), Patient’s phenotype or family history highly specific for the disease (PP4_Moderate)

Classification method: ACMG Guidelines [PMID:25741868] with modifications

Literature cited by the submitters: PubMed 16133661.

NM_000202.8(IDS):c.511T>C (p.Cys171Arg)

Genes: IDS (iduronate 2-sulfatase; minus strand), LOC106050102 (IDS recombination region; plus strand). Cytogenetic location: Xq28.
Variant type: single nucleotide variant.
Coding change: c.511T>C on transcript NM_000202.8 (MANE Select); coding-DNA position 511, T replaced by C.
Protein change: p.Cys171Arg; replaces cysteine 171 with arginine.
Molecular consequence: missense variant. On other transcripts: non-coding transcript variant (1).
Genome position (GRCh38, 1-based): chrX:149,498,304, A>G on the plus strand (T>C on the coding strand, the complement: IDS is on the minus strand). VCF-style: chrX-149498304-A-G. GRCh37 (hg19) VCF-style: chrX-148579835-A-G.
Other names: c.241T>C, p.Cys81Arg (NM_001166550.4); c.511T>C, p.Cys171Arg (NM_006123.5); short protein forms C171R, C81R.
Identifiers: ClinVar variation 3255760 (VCV003255760.2).
Genomic context (GRCh38, chrX:149,498,304, plus strand): 5'-CATCCAGCACATCCACAGGGCAAAGCAGGTTGGCATGGAGTTCTCCATCTGGCCCTCGAC[A>G]TGTCTTTCAAAACAAAATAATATAACATCAGCTTTTTAAGTGCAAGAAATGAAGCCATGA-3'
Protein context (NP_000193.1, residues 161-181): SSEKYENTKT[Cys171Arg]RGPDGELHAN